The following is an entry in ClinVar:

ClinVar aggregate classification (germline): Uncertain significance (1 of 4 stars; one submission).

Conditions:
Ataxia-telangiectasia syndrome (AT). Also called: LOUIS-BAR SYNDROME; Ataxia telangiectasia (A-T); Cerebello-oculocutaneous telangiectasia; Immunodeficiency with ataxia telangiectasia; ATAXIA-TELANGIECTASIA, COMPLEMENTATION GROUP A; ATAXIA-TELANGIECTASIA, FRESNO VARIANT. Identifiers: Orphanet 100, MedGen C0004135, MONDO:0008840, OMIM 208900.

Allele frequency attached by ClinVar (database versions not stated): gnomAD exomes below 0.00001; gnomAD 0.00001; TOPMed 0.00002.
gnomAD v4.1: 2 of 1,607,386 alleles (0.00012%); highest among the groups gnomAD compares: Non-Finnish European, 0.00017%; no homozygotes.

Submission:

Labcorp Genetics (formerly Invitae), Labcorp
Classification: Uncertain significance for Ataxia-telangiectasia syndrome. Last evaluated: 2024-06-10. Review status: criteria provided, single submitter. Criteria: Invitae Variant Classification Sherloc (09022015). Collection method: clinical testing. Allele origin: germline.
Comment: This sequence change replaces lysine, which is basic and polar, with asparagine, which is neutral and polar, at codon 296 of the ATM protein (p.Lys296Asn). This variant is present in population databases (no rsID available, gnomAD 0.0009%). This variant has not been reported in the literature in individuals affected with ATM-related conditions. ClinVar contains an entry for this variant (Variation ID: 949686). An algorithm developed to predict the effect of missense changes on protein structure and function (PolyPhen-2) suggests that this variant is likely to be disruptive. In summary, the available evidence is currently insufficient to determine the role of this variant in disease. Therefore, it has been classified as a Variant of Uncertain Significance.

NM_000051.4(ATM):c.888A>C (p.Lys296Asn)

Gene: ATM (ATM serine/threonine kinase; plus strand). Cytogenetic location: 11q22.3.
Variant type: single nucleotide variant.
Coding change: c.888A>C on transcript NM_000051.4 (MANE Select); coding-DNA position 888, A replaced by C.
Protein change: p.Lys296Asn; replaces lysine 296 with asparagine.
Molecular consequence: missense variant.
Genome position (GRCh38, 1-based): chr11:108,245,013, A>C. VCF-style: chr11-108245013-A-C. GRCh37 (hg19) VCF-style: chr11-108115740-A-C.
Other names: c.888A>C, p.Lys296Asn (NM_001351834.2); short protein forms K296N.
Identifiers: ClinVar variation 949686 (VCV000949686.9), dbSNP rs1023530965, ClinGen allele CA228385009.